The following is an entry in ClinVar:

ClinVar aggregate classification (germline): Uncertain significance (1 of 4 stars; one submission).

gnomAD v4.1: 5 of 1,600,088 alleles (0.00031%); highest among the groups gnomAD compares: African/African-American, 0.0054%; no homozygotes.

Submission:

GeneDx
Classification: Uncertain significance. Last evaluated: 2024-08-06. Review status: criteria provided, single submitter. Criteria: GeneDx Variant Classification Process June 2021. Collection method: clinical testing. Allele origin: germline. Affected: yes.
Comment: In silico analysis indicates that this missense variant does not alter protein structure/function; Has not been previously published as pathogenic or benign to our knowledge

NM_001567.4(INPPL1):c.3673C>G (p.Leu1225Val)

Gene: INPPL1 (inositol polyphosphate phosphatase like 1; plus strand). Cytogenetic location: 11q13.4.
Variant type: single nucleotide variant.
Coding change: c.3673C>G on transcript NM_001567.4 (MANE Select); coding-DNA position 3673, C replaced by G.
Protein change: p.Leu1225Val; replaces leucine 1225 with valine.
Molecular consequence: missense variant.
Genome position (GRCh38, 1-based): chr11:72,238,162, C>G. VCF-style: chr11-72238162-C-G. GRCh37 (hg19) VCF-style: chr11-71949206-C-G.
Other names: short protein forms L1225V.
Identifiers: ClinVar variation 3603179 (VCV003603179.1).